The following is an entry in ClinVar:

ClinVar aggregate classification (germline): Conflicting classifications of pathogenicity. Review status: criteria provided, conflicting classifications (1 of 4 stars). 3 submissions from 3 submitters: Uncertain significance (2); Likely benign (1). Last evaluated 2025-11-21.

Conditions:
Inborn genetic diseases. Identifiers: MedGen C0950123, MeSH D030342.

Allele frequency attached by ClinVar (database versions not stated): gnomAD 0.00001; gnomAD exomes 0.00002; TOPMed 0.00002; ExAC 0.00003.
gnomAD v4.1: 28 of 1,603,334 alleles (0.0017%); highest among the groups gnomAD compares: Middle Eastern, 0.067%; no homozygotes.

Submissions (3):

Labcorp Genetics (formerly Invitae), Labcorp
Classification: Uncertain significance. Last evaluated: 2025-11-21. Review status: criteria provided, single submitter. Criteria: Invitae Variant Classification Sherloc (09022015). Collection method: clinical testing. Allele origin: germline.
Comment: This sequence change replaces histidine, which is basic and polar, with arginine, which is basic and polar, at codon 636 of the REST protein (p.His636Arg). This variant is present in population databases (rs769381343, gnomAD 0.01%). This variant has not been reported in the literature in individuals affected with REST-related conditions. ClinVar contains an entry for this variant (Variation ID: 2170611). An algorithm developed to predict the effect of missense changes on protein structure and function (PolyPhen-2) suggests that this variant is likely to be tolerated. In summary, the available evidence is currently insufficient to determine the role of this variant in disease. Therefore, it has been classified as a Variant of Uncertain Significance.

Ambry Genetics
Classification: Uncertain significance for Inborn genetic diseases. Last evaluated: 2025-04-16. Review status: criteria provided, single submitter. Criteria: Ambry Variant Classification Scheme 2023. Collection method: clinical testing. Allele origin: germline.

Blueprint Genetics
Classification: Likely benign. Last evaluated: 2024-05-29. Review status: criteria provided, single submitter. Criteria: ACMG Guidelines, 2015. Collection method: clinical testing. Allele origin: germline.

NM_005612.5(REST):c.1907A>G (p.His636Arg)

Gene: REST (RE1 silencing transcription factor; plus strand). Cytogenetic location: 4q12.
Variant type: single nucleotide variant.
Coding change: c.1907A>G on transcript NM_005612.5 (MANE Select); coding-DNA position 1907, A replaced by G.
Protein change: p.His636Arg; replaces histidine 636 with arginine.
Molecular consequence: missense variant.
Genome position (GRCh38, 1-based): chr4:56,930,765, A>G. VCF-style: chr4-56930765-A-G. GRCh37 (hg19) VCF-style: chr4-57796931-A-G.
Other names: c.1907A>G, p.His636Arg (NM_001193508.2, NM_001363453.3); short protein forms H636R.
Identifiers: ClinVar variation 2170611 (VCV002170611.6), dbSNP rs769381343, ClinGen allele CA2932348.